The following is an entry in ClinVar:

NM_145691.4(ATPAF2):c.565C>T (p.Arg189Trp)

Gene: ATPAF2 (ATP synthase mitochondrial F1 complex assembly factor 2; minus strand). Cytogenetic location: 17p11.2.
Variant type: single nucleotide variant.
Coding change: c.565C>T on transcript NM_145691.4 (MANE Select); coding-DNA position 565, C replaced by T.
Protein change: p.Arg189Trp; replaces arginine 189 with tryptophan.
Molecular consequence: missense variant.
Genome position (GRCh38, 1-based): chr17:18,021,796, G>A on the plus strand (C>T on the coding strand, the complement: ATPAF2 is on the minus strand). VCF-style: chr17-18021796-G-A. GRCh37 (hg19) VCF-style: chr17-17925110-G-A.
Other names: p.Arg189Trp; short protein forms R189W.
Identifiers: ClinVar variation 2164540 (VCV002164540.5), dbSNP rs141827488, ClinGen allele CA8421816.
Genomic context (GRCh38, chr17:18,021,796, plus strand): 5'-CATACATGCCTTGTAAAGCCCATGTGTTGTAAGATGCCAGGTGGCTGACGAGCACCTCCC[G>A]AGTTTTGGCAGGGATGCTGGGTCCCATTATGCTGGTGGAGGAGCTGATCTCCACGCCGTA-3'
Protein context (NP_663729.1, residues 179-199): IMGPSIPAKT[Arg189Trp]EVLVSHLASY

ClinVar aggregate classification (germline): Uncertain significance. Review status: criteria provided, multiple submitters, no conflicts (2 of 4 stars). 2 submissions from 2 submitters: Uncertain significance (2). Last evaluated 2025-08-18.

Allele frequency attached by ClinVar (database versions not stated): gnomAD 0.00038; ESP Exome Variant Server 0.00046; 1000 Genomes Project 0.00080; 1000 Genomes Project 30x 0.00094.

Submissions (2):

Labcorp Genetics (formerly Invitae), Labcorp
Classification: Uncertain significance. Last evaluated: 2025-08-18. Review status: criteria provided, single submitter. Criteria: Invitae Variant Classification Sherloc (09022015). Collection method: clinical testing. Allele origin: germline.
Comment: This sequence change replaces arginine, which is basic and polar, with tryptophan, which is neutral and slightly polar, at codon 189 of the ATPAF2 protein (p.Arg189Trp). This variant is present in population databases (rs141827488, gnomAD 0.1%), and has an allele count higher than expected for a pathogenic variant. This variant has not been reported in the literature in individuals affected with ATPAF2-related conditions. ClinVar contains an entry for this variant (Variation ID: 2164540). Invitae Evidence Modeling of protein sequence and biophysical properties (such as structural, functional, and spatial information, amino acid conservation, physicochemical variation, residue mobility, and thermodynamic stability) indicates that this missense variant is expected to disrupt ATPAF2 protein function with a positive predictive value of 80%. In summary, the available evidence is currently insufficient to determine the role of this variant in disease. Therefore, it has been classified as a Variant of Uncertain Significance.

Mayo Clinic Laboratories, Mayo Clinic
Classification: Uncertain significance. Last evaluated: 2023-10-27. Review status: criteria provided, single submitter. Criteria: ACMG Guidelines, 2015. Collection method: clinical testing. Allele origin: germline. Observed: 1 variant allele.
Comment: BP4